The following is an entry in ClinVar:

NM_000487.6(ARSA):c.*2374C>A

Gene: ARSA (arylsulfatase A; minus strand). Cytogenetic location: 22q13.33.
Variant type: single nucleotide variant.
Coding change: c.*2374C>A on transcript NM_000487.6 (MANE Select); 2374 bases downstream of the stop codon, C replaced by A.
Molecular consequence: 3 prime UTR variant.
Genome position (GRCh38, 1-based): chr22:50,622,771, G>T on the plus strand (C>A on the coding strand, the complement: ARSA is on the minus strand). VCF-style: chr22-50622771-G-T. GRCh37 (hg19) VCF-style: chr22-51061199-G-T.
Other names: c.*2374C>A (NM_001085425.3, NM_001085426.3, NM_001085427.3 and 2 more transcripts).
Identifiers: ClinVar variation 342183 (VCV000342183.6), dbSNP rs11704557, ClinGen allele CA10645782.

ClinVar aggregate classification (germline): Likely benign. Review status: criteria provided, multiple submitters, no conflicts (2 of 4 stars). 2 submissions from 2 submitters: Likely benign (2). Last evaluated 2018-01-13.

Conditions:
Metachromatic leukodystrophy (MLD). Also called: ARSA DEFICIENCY; CEREBROSIDE SULFATASE DEFICIENCY; METACHROMATIC LEUKOENCEPHALOPATHY; SULFATIDE LIPIDOSIS; Cerebral sclerosis diffuse metachromatic form; Arylsulfatase A Deficiency. Identifiers: Orphanet 512, MedGen C0023522, MONDO:0018868, OMIM 250100.

Allele frequency attached by ClinVar (database versions not stated): 1000 Genomes Project 30x 0.01296; 1000 Genomes Project 0.01298; TOPMed 0.02401; gnomAD 0.02731 and 0.02736; gnomAD exomes 0.05556.

Submissions (2):

Illumina Laboratory Services, Illumina
Classification: Likely benign for Metachromatic leukodystrophy. Last evaluated: 2018-01-13. Review status: criteria provided, single submitter. Criteria: ICSL Variant Classification Criteria 13 December 2019. Collection method: clinical testing. Allele origin: germline.
Comment: This variant was observed in the ICSL laboratory as part of a predisposition screen in an ostensibly healthy population. It had not been previously curated by ICSL or reported in the Human Gene Mutation Database (HGMD: prior to June 1st, 2018), and was therefore a candidate for classification through an automated scoring system. Utilizing variant allele frequency, disease prevalence and penetrance estimates, and inheritance mode, an automated score was calculated to assess if this variant is too frequent to cause the disease. Based on the score and internal cut-off values, a variant classified as likely benign is not then subjected to further curation. The score for this variant resulted in a classification of likely benign for this disease.

Breakthrough Genomics
Classification: Likely benign. Review status: criteria provided, single submitter. Criteria: ACMG Guidelines, 2015. Collection method: not provided. Allele origin: germline. Inheritance: Autosomal recessive inheritance. Affected: yes.